The following is an entry in ClinVar:

NM_015443.4(KANSL1):c.3262C>T (p.Leu1088Phe)

Gene: KANSL1 (KAT8 regulatory NSL complex subunit 1). Cytogenetic location: 17q21.31.
Variant type: single nucleotide variant.
Coding change: c.3262C>T on transcript NM_015443.4 (MANE Select); coding-DNA position 3262, C replaced by T.
Protein change: p.Leu1088Phe; replaces leucine 1088 with phenylalanine.
Molecular consequence: missense variant.
Genome position (GRCh38, 1-based): chr17:46,031,532, G>A on the plus strand (C>T on the coding strand, the complement: KANSL1 is on the minus strand). VCF-style: chr17-46031532-G-A. GRCh37 (hg19) VCF-style: chr17-44108898-G-A.
Other names: c.3259C>T, p.Leu1087Phe (NM_001193465.2, NM_001405856.1, NM_001405857.1 and 1 more transcripts); c.3262C>T, p.Leu1088Phe (NM_001193466.2, NM_001379198.1, NM_001405854.1 and 1 more transcripts); c.3160C>T, p.Leu1054Phe (NM_001405859.1, NM_001405860.1); c.3157C>T, p.Leu1053Phe (NM_001405861.1); c.3130C>T, p.Leu1044Phe (NM_001405872.1, NM_001405873.1, NM_001405874.1); c.3073C>T, p.Leu1025Phe (NM_001405875.1, NM_001405876.1, NM_001405877.1 and 1 more transcripts); c.3070C>T, p.Leu1024Phe (NM_001405879.1, NM_001405880.1); c.3025C>T, p.Leu1009Phe (NM_001405881.1); and 4 more; short protein forms L1009F, L1025F, L1053F, L1054F, L602F, L1024F, L665F, L1044F.
Identifiers: ClinVar variation 2786964 (VCV002786964.3), dbSNP rs1276705475, ClinGen allele CA399985650.

ClinVar aggregate classification (germline): Uncertain significance (1 of 4 stars; one submission).

Conditions:
Koolen-de Vries syndrome (KDVS). Identifiers: Orphanet 96169, MedGen C1864871, MONDO:0012496, OMIM 610443.

Allele frequency attached by ClinVar (database versions not stated): gnomAD exomes below 0.00001.
gnomAD v4.1: 1 of 1,614,020 alleles (0.000062%); highest among the groups gnomAD compares: East Asian, 0.0022%; no homozygotes.

Submission:

Labcorp Genetics (formerly Invitae), Labcorp
Classification: Uncertain significance for Koolen-de Vries syndrome. Last evaluated: 2023-07-16. Review status: criteria provided, single submitter. Criteria: Invitae Variant Classification Sherloc (09022015). Collection method: clinical testing. Allele origin: germline.
Comment: This variant is present in population databases (no rsID available, gnomAD 0.006%). This sequence change replaces leucine, which is neutral and non-polar, with phenylalanine, which is neutral and non-polar, at codon 1088 of the KANSL1 protein (p.Leu1088Phe). This variant has not been reported in the literature in individuals affected with KANSL1-related conditions. In summary, the available evidence is currently insufficient to determine the role of this variant in disease. Therefore, it has been classified as a Variant of Uncertain Significance. Algorithms developed to predict the effect of missense changes on protein structure and function output the following: SIFT: "Not Available"; PolyPhen-2: "Benign"; Align-GVGD: "Not Available". The phenylalanine amino acid residue is found in multiple mammalian species, which suggests that this missense change does not adversely affect protein function.